The following is an entry in ClinVar:

ClinVar aggregate classification (germline): Likely pathogenic (1 of 4 stars; one submission).

Conditions:
Pseudohypoaldosteronism type 2D (PHA2D). Also called: FAMILIAL HYPERKALEMIC HYPERTENSION; PSEUDOHYPOALDOSTERONISM, TYPE IID, AUTOSOMAL DOMINANT OR RECESSIVE; Pseudohypoaldosteronism Type IID. Identifiers: Orphanet 300525, Orphanet 757, MedGen C3469605, MONDO:0013781, OMIM 614495.

gnomAD v4.1: 9 of 1,613,946 alleles (0.00056%); highest among the groups gnomAD compares: African/African-American, 0.0027%; 1 homozygote.

Submission:

UAEU Genomics Laboratory, United Arab Emirates University
Classification: Likely pathogenic for Pseudohypoaldosteronism type 2D. Last evaluated: 2023-10-05. Review status: criteria provided, single submitter. Criteria: ACMG Guidelines, 2015. Collection method: research. Allele origin: germline. Affected: yes. Observed: 1 variant allele.
Comment: PM2, PM1, PP3, PP1

NM_017415.3(KLHL3):c.1288C>T (p.Arg430Trp)

Gene: KLHL3 (kelch like family member 3; minus strand). Cytogenetic location: 5q31.2.
Variant type: single nucleotide variant.
Coding change: c.1288C>T on transcript NM_017415.3 (MANE Select); coding-DNA position 1288, C replaced by T.
Protein change: p.Arg430Trp; replaces arginine 430 with tryptophan.
Molecular consequence: missense variant.
Genome position (GRCh38, 1-based): chr5:137,637,327, G>A on the plus strand (C>T on the coding strand, the complement: KLHL3 is on the minus strand). VCF-style: chr5-137637327-G-A. GRCh37 (hg19) VCF-style: chr5-136973016-G-A.
Other names: c.1192C>T, p.Arg398Trp (NM_001257194.1); c.1042C>T, p.Arg348Trp (NM_001257195.2); short protein forms R348W, R398W, R430W.
Identifiers: ClinVar variation 5042546 (VCV005042546.1).